The following is an entry in ClinVar:

NM_000132.4(F8):c.760A>G (p.Asn254Asp)

Gene: F8 (coagulation factor VIII; minus strand). Cytogenetic location: Xq28.
Variant type: single nucleotide variant.
Coding change: c.760A>G on transcript NM_000132.4 (MANE Select); coding-DNA position 760, A replaced by G.
Protein change: p.Asn254Asp; replaces asparagine 254 with aspartic acid.
Molecular consequence: missense variant.
Genome position (GRCh38, 1-based): chrX:154,984,714, T>C on the plus strand (A>G on the coding strand, the complement: F8 is on the minus strand). VCF-style: chrX-154984714-T-C. GRCh37 (hg19) VCF-style: chrX-154212989-T-C.
Other names: short protein forms N254D.
Identifiers: ClinVar variation 1330606 (VCV001330606.7), dbSNP rs2124131338, ClinGen allele CA414918977.

ClinVar aggregate classification (germline): Pathogenic (1 of 4 stars; one submission).

Conditions:
Hereditary factor VIII deficiency disease (HEMA). Also called: HEMOPHILIA, CLASSIC; AUTOSOMAL HEMOPHILIA A; Hemophilia A; Hemophilia A, congenital; HEM A; Factor 8 deficiency, congenital. Identifiers: Orphanet 98878, MedGen C0019069, MONDO:0010602, OMIM 306700.

Submission:

ARUP Laboratories, Molecular Genetics and Genomics, ARUP Laboratories
Classification: Pathogenic for Hereditary factor VIII deficiency disease. Last evaluated: 2020-12-17. Review status: criteria provided, single submitter. Criteria: ARUP Molecular Germline Variant Investigation Process 2021. Collection method: clinical testing. Allele origin: germline.
Comment: The F8 c.760A>G; p.Asn254Asp variant is reported in the literature in multiple individuals affected with severe hemophilia A (see F8 database and references therein). Functional analyses demonstrate that individuals with this variant have factor VIII activity of <1% (F8 database). This variant is absent from general population databases (Exome Variant Server, Genome Aggregation Database), indicating it is not a common polymorphism. Additionally, other amino acid substitutions at this codon (p.Asn254Tyr, p.Asn254Ile, p.Asn254Ser and p.Asn254Thr) have been reported in individuals with severe hemophilia A and are considered pathogenic (Bicocchi 2003, Gouw 2011, Green 2008, Reitter 2010). The asparagine at codon 254 is highly conserved, and computational analyses predict that this variant is deleterious (REVEL: 0.908). Based on available information, this variant is considered to be pathogenic. References: F8 variant database: Bicocchi MP et al. Analysis of 18 novel mutations in the factor VIII gene. Br J Haematol. 2003 Sep;122(5):810-7. Gouw SC et al. Influence of the type of F8 gene mutation on inhibitor development in a single centre cohort of severe haemophilia A patients. Haemophilia. 2011 Mar;17(2):275-81. Green PM et al. Haemophilia A mutations in the UK: results of screening one-third of the population. Br J Haematol. 2008 Oct;143(1):115-28. Reitter S et al. Austrian Molecular Haemophilia Study Group. Spectrum of causative mutations in patients with haemophilia A in Austria. Thromb Haemost. 2010 Jul;104(1):78-85.